The following is an entry in ClinVar:

NM_005751.5(AKAP9):c.9860A>G (p.Gln3287Arg)

Gene: AKAP9 (A-kinase anchoring protein 9; plus strand). Cytogenetic location: 7q21.2.
Variant type: single nucleotide variant.
Coding change: c.9860A>G on transcript NM_005751.5 (MANE Select); coding-DNA position 9860, A replaced by G.
Protein change: p.Gln3287Arg; replaces glutamine 3287 with arginine.
Molecular consequence: missense variant.
Genome position (GRCh38, 1-based): chr7:92,096,819, A>G. VCF-style: chr7-92096819-A-G. GRCh37 (hg19) VCF-style: chr7-91726133-A-G.
Other names: c.4505A>G, p.Gln1502Arg (NM_001379277.1); c.9836A>G, p.Gln3279Arg (NM_147185.3); short protein forms Q3287R, Q1502R, Q3279R.
Identifiers: ClinVar variation 3017952 (VCV003017952.3), dbSNP rs753550970, ClinGen allele CA4337858.

ClinVar aggregate classification (germline): Uncertain significance (1 of 4 stars; one submission).

Conditions:
Long QT syndrome (LQTS). Identifiers: MedGen C0023976, MeSH D008133, MONDO:0002442. Disease mechanism: loss of function. Inheritance: Various modes of inheritance.

Allele frequency attached by ClinVar (database versions not stated): gnomAD 0.00001; ExAC 0.00001; gnomAD exomes 0.00001.
gnomAD v4.1: 24 of 1,614,258 alleles (0.0015%); highest among the groups gnomAD compares: Non-Finnish European, 0.0019%; no homozygotes.

Submission:

Labcorp Genetics (formerly Invitae), Labcorp
Classification: Uncertain significance for Long QT syndrome. Last evaluated: 2025-11-17. Review status: criteria provided, single submitter. Criteria: Invitae Variant Classification Sherloc (09022015). Collection method: clinical testing. Allele origin: germline.
Comment: This sequence change replaces glutamine, which is neutral and polar, with arginine, which is basic and polar, at codon 3287 of the AKAP9 protein (p.Gln3287Arg). This variant is present in population databases (rs753550970, gnomAD 0.0009%). This variant has not been reported in the literature in individuals affected with AKAP9-related conditions. ClinVar contains an entry for this variant (Variation ID: 3017952). An algorithm developed to predict the effect of missense changes on protein structure and function outputs the following: PolyPhen-2: "Benign". The arginine amino acid residue is found in multiple mammalian species, which suggests that this missense change does not adversely affect protein function. In summary, the available evidence is currently insufficient to determine the role of this variant in disease. Therefore, it has been classified as a Variant of Uncertain Significance.